The following is an entry in ClinVar:

ClinVar aggregate classification (germline): Benign. Review status: criteria provided, multiple submitters, no conflicts (2 of 4 stars). 4 submissions from 2 submitters: Benign (4). Last evaluated 2021-07-14.

Conditions:
Gnathodiaphyseal dysplasia (GDD). Also called: GNATHODIAPHYSEAL SCLEROSIS; OSTEOGENESIS IMPERFECTA WITH UNUSUAL SKELETAL LESIONS. Identifiers: Orphanet 53697, MedGen C1833736, MONDO:0008151, OMIM 166260.
Autosomal recessive limb-girdle muscular dystrophy type 2L (LGMDR12). Also called: Limb-girdle muscular dystrophy, type 2L; Limb-Girdle Muscular Dystrophy R12 Anoctamin-5-Related (LGMD-R12); MUSCULAR DYSTROPHY, LIMB-GIRDLE, AUTOSOMAL RECESSIVE 12. Identifiers: Orphanet 206549, MedGen C1969785, MONDO:0012652, OMIM 611307.
Miyoshi muscular dystrophy 3 (MMD3). Also called: Miyoshi Muscular Dystrophy 3 (MMD3); Miyoshi myopathy 3. Identifiers: Orphanet 399096, MedGen C2750076, MONDO:0013222, OMIM 613319.

Submissions (4):

Genome-Nilou Lab
Classification: Benign for Gnathodiaphyseal dysplasia. Last evaluated: 2021-07-14. Review status: criteria provided, single submitter. Criteria: ACMG Guidelines, 2015. Collection method: clinical testing. Allele origin: germline. Affected: no.

Genome-Nilou Lab
Classification: Benign for Miyoshi muscular dystrophy 3. Last evaluated: 2021-07-14. Review status: criteria provided, single submitter. Criteria: ACMG Guidelines, 2015. Collection method: clinical testing. Allele origin: germline. Affected: no.

Genome-Nilou Lab
Classification: Benign for Autosomal recessive limb-girdle muscular dystrophy type 2L. Last evaluated: 2021-07-14. Review status: criteria provided, single submitter. Criteria: ACMG Guidelines, 2015. Collection method: clinical testing. Allele origin: germline. Affected: no.

GeneDx
Classification: Benign. Last evaluated: 2018-06-19. Review status: criteria provided, single submitter. Criteria: GeneDx Variant Classification (06012015). Collection method: clinical testing. Allele origin: germline. Affected: yes.
Comment: This variant is considered likely benign or benign based on one or more of the following criteria: it is a conservative change, it occurs at a poorly conserved position in the protein, it is predicted to be benign by multiple in silico algorithms, and/or has population frequency not consistent with disease.

NM_213599.3(ANO5):c.139-164del

Gene: ANO5 (anoctamin 5; plus strand). Cytogenetic location: 11p14.3.
Variant type: Deletion.
Coding change: c.139-164del on transcript NM_213599.3 (MANE Select); 164 bases into the intron before coding-DNA position 139, one base deleted (T; older notation c.139-164delT).
Molecular consequence: intron variant.
Genome position (GRCh38, 1-based): chr11:22,218,082, T deleted; the last of 7 consecutive T bases (chr11:22,218,076-22,218,082); deleting any one gives the same sequence. VCF-style (leftmost placement, unchanged base first): chr11-22218075-CT-C. GRCh37 (hg19) VCF-style: chr11-22239621-CT-C.
Other names: c.136-164del (NM_001142649.2).
Identifiers: ClinVar variation 670368 (VCV000670368.4), dbSNP rs60388835, ClinGen allele CA218773064.